The following is an entry in ClinVar:

ClinVar aggregate classification (germline): Uncertain significance (1 of 4 stars; one submission).

Conditions:
Long QT syndrome (LQTS). Identifiers: MedGen C0023976, MeSH D008133, MONDO:0002442. Disease mechanism: loss of function. Inheritance: Various modes of inheritance.

Allele frequency attached by ClinVar (database versions not stated): gnomAD exomes below 0.00001.
gnomAD v4.1: 3 of 1,614,108 alleles (0.00019%); highest among the groups gnomAD compares: Non-Finnish European, 0.00025%; no homozygotes.

Submission:

Labcorp Genetics (formerly Invitae), Labcorp
Classification: Uncertain significance for Long QT syndrome. Last evaluated: 2023-08-17. Review status: criteria provided, single submitter. Criteria: Invitae Variant Classification Sherloc (09022015). Collection method: clinical testing. Allele origin: germline.
Comment: In summary, the available evidence is currently insufficient to determine the role of this variant in disease. Therefore, it has been classified as a Variant of Uncertain Significance. Algorithms developed to predict the effect of missense changes on protein structure and function output the following: SIFT: "Not Available"; PolyPhen-2: "Benign"; Align-GVGD: "Not Available". The asparagine amino acid residue is found in multiple mammalian species, which suggests that this missense change does not adversely affect protein function. This sequence change replaces serine, which is neutral and polar, with asparagine, which is neutral and polar, at codon 3795 of the ANK2 protein (p.Ser3795Asn). This variant is not present in population databases (gnomAD no frequency). This variant has not been reported in the literature in individuals affected with ANK2-related conditions.

NM_001148.6(ANK2):c.11384G>A (p.Ser3795Asn)

Gene: ANK2 (ankyrin 2; plus strand). Cytogenetic location: 4q26.
Variant type: single nucleotide variant.
Coding change: c.11384G>A on transcript NM_001148.6 (MANE Select); coding-DNA position 11384, G replaced by A.
Protein change: p.Ser3795Asn; replaces serine 3795 with asparagine.
Molecular consequence: missense variant.
Genome position (GRCh38, 1-based): chr4:113,369,579, G>A. VCF-style: chr4-113369579-G-A. GRCh37 (hg19) VCF-style: chr4-114290735-G-A.
Other names: c.4943G>A, p.Ser1648Asn (NM_001354249.2, NM_001354266.2, NM_001354267.2 and 2 more transcripts); c.5099G>A, p.Ser1700Asn (NM_001354252.2, NM_001354239.2); c.4904G>A, p.Ser1635Asn (NM_001354253.2, NM_001354270.2); c.5078G>A, p.Ser1693Asn (NM_001354254.2); c.5066G>A, p.Ser1689Asn (NM_001354255.2, NM_001354243.2, NM_001386143.1); c.5063G>A, p.Ser1688Asn (NM_001354256.2, NM_001354244.2, NM_001386161.1); c.4868G>A, p.Ser1623Asn (NM_001354257.2, NM_001386156.1); c.5030G>A, p.Ser1677Asn (NM_001354258.2, NM_001354228.2); and 35 more; short protein forms S1610N, S1615N, S1639N, S1652N, S1658N, S1677N, S1700N, S1705N.
Identifiers: ClinVar variation 2753326 (VCV002753326.3), dbSNP rs2154066064, ClinGen allele CA357942600.